The following is an entry in ClinVar:

ClinVar aggregate classification (germline): Likely benign (1 of 4 stars; one submission).

Allele frequency attached by ClinVar (database versions not stated): gnomAD 0.00631; 1000 Genomes Project 0.00639; TOPMed 0.00692; 1000 Genomes Project 30x 0.00703.
gnomAD v4.1: 956 of 152,054 alleles (0.63%); highest among the groups gnomAD compares: African/African-American, 2.2%; 11 homozygotes.

Submission:

GeneDx
Classification: Likely benign. Last evaluated: 2018-06-14. Review status: criteria provided, single submitter. Criteria: GeneDx Variant Classification (06012015). Collection method: clinical testing. Allele origin: germline. Affected: yes.
Comment: This variant is considered likely benign or benign based on one or more of the following criteria: it is a conservative change, it occurs at a poorly conserved position in the protein, it is predicted to be benign by multiple in silico algorithms, and/or has population frequency not consistent with disease.

NM_001378969.1(KCND3):c.1106+296G>T

Gene: KCND3 (potassium voltage-gated channel subfamily D member 3; minus strand). Cytogenetic location: 1p13.2.
Variant type: single nucleotide variant.
Coding change: c.1106+296G>T on transcript NM_001378969.1 (MANE Select); 296 bases into the intron after coding-DNA position 1106, G replaced by T.
Molecular consequence: intron variant.
Genome position (GRCh38, 1-based): chr1:111,981,325, C>A on the plus strand (G>T on the coding strand, the complement: KCND3 is on the minus strand). VCF-style: chr1-111981325-C-A. GRCh37 (hg19) VCF-style: chr1-112523947-C-A.
Other names: c.1106+296G>T (NM_001378970.1, NM_172198.3, NM_004980.5).
Identifiers: ClinVar variation 672815 (VCV000672815.1), dbSNP rs75584783, ClinGen allele CA29326238.